The following is an entry in ClinVar:

NM_000256.3(MYBPC3):c.1653C>T (p.Ile551=)

Gene: MYBPC3 (myosin binding protein C3; minus strand). Cytogenetic location: 11p11.2.
Variant type: single nucleotide variant.
Coding change: c.1653C>T on transcript NM_000256.3 (MANE Select); coding-DNA position 1653, C replaced by T.
Protein change: p.Ile551=; no amino-acid change (isoleucine 551 retained).
Molecular consequence: synonymous variant.
Genome position (GRCh38, 1-based): chr11:47,342,128, G>A on the plus strand (C>T on the coding strand, the complement: MYBPC3 is on the minus strand). VCF-style: chr11-47342128-G-A. GRCh37 (hg19) VCF-style: chr11-47363679-G-A.
Identifiers: ClinVar variation 926198 (VCV000926198.9), dbSNP rs767414501, ClinGen allele CA078254.

ClinVar aggregate classification (germline): Likely benign. Review status: criteria provided, multiple submitters, no conflicts (2 of 4 stars). 4 submissions from 4 submitters: Likely benign (4). Last evaluated 2026-06-27.

Conditions:
Cardiomyopathy (CMYO). Also called: Cardiomyopathies. Identifiers: Orphanet 167848, MedGen C0878544, MONDO:0004994, HP:0001638. Inheritance: Various modes of inheritance.
Cardiovascular phenotype. Identifiers: MedGen CN230736.
Hypertrophic cardiomyopathy. Also called: HYPERTROPHIC MYOCARDIOPATHY. Identifiers: Orphanet 217569, MedGen C0007194, MeSH D002312, MONDO:0005045, HP:0001639.

Allele frequency attached by ClinVar (database versions not stated): gnomAD exomes below 0.00001 and 0.00001; ExAC 0.00001; gnomAD 0.00001.
gnomAD v4.1: 9 of 1,613,892 alleles (0.00056%); highest among the groups gnomAD compares: South Asian, 0.0033%; no homozygotes.

Submissions (4):

Ambry Genetics
Classification: Likely benign for Cardiovascular phenotype. Last evaluated: 2026-06-27. Review status: criteria provided, single submitter. Criteria: Ambry Variant Classification Scheme 2023. Collection method: clinical testing. Allele origin: germline.

All of Us Research Program, National Institutes of Health
Classification: Likely benign for Hypertrophic cardiomyopathy. Last evaluated: 2023-03-23. Review status: criteria provided, single submitter. Criteria: ACMG Guidelines, 2015. Collection method: clinical testing. Allele origin: germline. Inheritance: Autosomal dominant inheritance. Observed: 1 variant allele, 1 heterozygote.
Comment: This study involves interpretation of variants in research participants for the purpose of population health screening. Participant phenotype was not available at the time of variant classification. Additional details can be found in publication PMID: 35346344, PMCID: PMC8962531

Labcorp Genetics (formerly Invitae), Labcorp
Classification: Likely benign for Hypertrophic cardiomyopathy. Last evaluated: 2021-12-11. Review status: criteria provided, single submitter. Criteria: Invitae Variant Classification Sherloc (09022015). Collection method: clinical testing. Allele origin: germline.

Color Diagnostics, LLC DBA Color Health
Classification: Likely benign for Cardiomyopathy. Last evaluated: 2020-03-18. Review status: criteria provided, single submitter. Criteria: ACMG Guidelines, 2015. Collection method: clinical testing. Allele origin: germline.